The following is an entry in ClinVar:

NM_004434.3(EML1):c.827+7C>G

Gene: EML1 (EMAP like 1; plus strand). Cytogenetic location: 14q32.2.
Variant type: single nucleotide variant.
Coding change: c.827+7C>G on transcript NM_004434.3 (MANE Select); 7 bases into the intron after coding-DNA position 827, C replaced by G.
Molecular consequence: intron variant.
Genome position (GRCh38, 1-based): chr14:99,897,301, C>G. VCF-style: chr14-99897301-C-G. GRCh37 (hg19) VCF-style: chr14-100363638-C-G.
Other names: c.788+7C>G (NM_001375411.1, NM_001440377.1); c.884+7C>G (NM_001008707.2); c.827+7C>G (NM_001375412.1); c.845+7C>G (NM_001440375.1, NM_001440376.1).
Identifiers: ClinVar variation 4977508 (VCV004977508.1).
Genomic context (GRCh38, chr14:99,897,301, plus strand): 5'-CGTGGAGGAGCAACTGCAGAGGCATTACGCTGGCCACAACGATGACGTGAAGTGGTAAGT[C>G]CTGAAACAGGTCATTCCTGCGACTCAGAAGGCGAAGGTAGGAGGATCGCTTGAGGCCAGG-3'

ClinVar aggregate classification (germline): Likely benign (1 of 4 stars; one submission).

Conditions:
EML1-related disorder. Also called: EML1-related condition.

gnomAD v4.1: 13 of 1,589,986 alleles (0.00082%); highest among the groups gnomAD compares: Admixed American, 0.021%; no homozygotes.

Submission:

PreventionGenetics, part of Exact Sciences
Classification: Likely benign for EML1-related condition. Last evaluated: 2025-09-22. Review status: criteria provided, single submitter. Criteria: ACMG Guidelines, 2015. Collection method: clinical testing. Allele origin: germline.
Comment: This variant is classified as likely benign based on ACMG/AMP sequence variant interpretation guidelines (Richards et al. 2015 PMID: 25741868, with internal and published modifications).